The following is an entry in ClinVar:

NM_005633.4(SOS1):c.349G>C (p.Val117Leu)

Gene: SOS1 (SOS Ras/Rac guanine nucleotide exchange factor 1; minus strand). Cytogenetic location: 2p22.1.
Variant type: single nucleotide variant.
Coding change: c.349G>C on transcript NM_005633.4 (MANE Select); coding-DNA position 349, G replaced by C.
Protein change: p.Val117Leu; replaces valine 117 with leucine.
Molecular consequence: missense variant.
Genome position (GRCh38, 1-based): chr2:39,056,863, C>G on the plus strand (G>C on the coding strand, the complement: SOS1 is on the minus strand). VCF-style: chr2-39056863-C-G. GRCh37 (hg19) VCF-style: chr2-39284004-C-G.
Other names: c.328G>C, p.Val110Leu (NM_001382394.1); c.349G>C, p.Val117Leu (NM_001382395.1); short protein forms V110L, V117L.
Identifiers: ClinVar variation 3656071 (VCV003656071.3).
Genomic context (GRCh38, chr2:39,056,863, plus strand): 5'-TGTATTCTAAGACTGCTACTATGTAAACAGAAACCTGGTGGTCAATTTTATAACCTAGGA[C>G]CTCCTGCAAAATTAAAAGAAAAGCATGTTTAAACATCATATACTGTACATTTAACACACT-3'
Protein context (NP_005624.2, residues 107-127): VEKIHPLLKE[Val117Leu]LGYKIDHQVS

ClinVar aggregate classification (germline): Uncertain significance. Review status: criteria provided, multiple submitters, no conflicts (2 of 4 stars). 2 submissions from 2 submitters: Uncertain significance (2). Last evaluated 2025-09-08.

Conditions:
Cardiovascular phenotype. Identifiers: MedGen CN230736.
RASopathy. Also called: Noonan spectrum disorder; rasopathies. Identifiers: Orphanet 536391, MedGen C5555857, MONDO:0021060.

Submissions (2):

Labcorp Genetics (formerly Invitae), Labcorp
Classification: Uncertain significance for RASopathy. Last evaluated: 2025-09-08. Review status: criteria provided, single submitter. Criteria: Invitae Variant Classification Sherloc (09022015). Collection method: clinical testing. Allele origin: germline.
Comment: This sequence change replaces valine, which is neutral and non-polar, with leucine, which is neutral and non-polar, at codon 117 of the SOS1 protein (p.Val117Leu). This variant is present in population databases (rs780406547, gnomAD 0.0009%). This variant has not been reported in the literature in individuals affected with SOS1-related conditions. ClinVar contains an entry for this variant (Variation ID: 3656071). Invitae Evidence Modeling of protein sequence and biophysical properties (such as structural, functional, and spatial information, amino acid conservation, physicochemical variation, residue mobility, and thermodynamic stability) has been performed for this missense variant. However, the output from this modeling did not meet the statistical confidence thresholds required to predict the impact of this variant on SOS1 protein function. In summary, the available evidence is currently insufficient to determine the role of this variant in disease. Therefore, it has been classified as a Variant of Uncertain Significance.

Ambry Genetics
Classification: Uncertain significance for Cardiovascular phenotype. Last evaluated: 2025-02-06. Review status: criteria provided, single submitter. Criteria: Ambry Variant Classification Scheme 2023. Collection method: clinical testing. Allele origin: germline.
Comment: The p.V117L variant (also known as c.349G>C), located in coding exon 4 of the SOS1 gene, results from a G to C substitution at nucleotide position 349. The valine at codon 117 is replaced by leucine, an amino acid with highly similar properties. This amino acid position is conserved. In addition, the in silico prediction for this alteration is inconclusive. Based on the available evidence, the clinical significance of this variant remains unclear.